The following is an entry in ClinVar:

NM_000283.4(PDE6B):c.2505A>G (p.Val835=)

Gene: PDE6B (phosphodiesterase 6B; plus strand). Cytogenetic location: 4p16.3.
Variant type: single nucleotide variant.
Coding change: c.2505A>G on transcript NM_000283.4 (MANE Select); coding-DNA position 2505, A replaced by G.
Protein change: p.Val835=; no amino-acid change (valine 835 retained).
Molecular consequence: synonymous variant. On other transcripts: missense variant (2), splice acceptor variant (1).
Genome position (GRCh38, 1-based): chr4:670,047, A>G. VCF-style: chr4-670047-A-G. GRCh37 (hg19) VCF-style: chr4-663836-A-G.
Other names: c.1668A>G, p.Val556= (NM_001145292.2, NM_001379246.1, NM_001379247.1); c.1603A>G, p.Arg535Gly (NM_001350154.3); c.1285A>G, p.Arg429Gly (NM_001350155.3); c.2504-2A>G (NM_001145291.2); short protein forms R429G, R535G.
Identifiers: ClinVar variation 349397 (VCV000349397.17), dbSNP rs61734864, ClinGen allele CA2795102.

ClinVar aggregate classification (germline): Benign/Likely benign. Review status: criteria provided, multiple submitters, no conflicts (2 of 4 stars). 4 submissions from 3 submitters: Benign (2); Likely benign (2). Last evaluated 2026-02-02.

Conditions:
Congenital stationary night blindness autosomal dominant 2. Also called: NIGHT BLINDNESS, CONGENITAL STATIONARY, RAMBUSCH TYPE. Identifiers: Orphanet 215, MedGen C1876182, MONDO:0008099, OMIM 163500.
Retinitis pigmentosa (RP). Identifiers: Orphanet 791, MedGen C0035334, MeSH D012174, MONDO:0019200, OMIM 268000. Inheritance: Autosomal dominant, autosomal recessive and X linked inheritance.

Allele frequency attached by ClinVar (database versions not stated): gnomAD 0.00881 and 0.00938; ESP Exome Variant Server 0.00984; 1000 Genomes Project 0.01018; TOPMed 0.01046; 1000 Genomes Project 30x 0.01062.
gnomAD v4.1: 2,594 of 1,612,238 alleles (0.16%); highest among the groups gnomAD compares: African/African-American, 3.1%; 42 homozygotes.

Submissions (20):

Labcorp Genetics (formerly Invitae), Labcorp
Classification: Benign. Last evaluated: 2026-02-02. Review status: criteria provided, single submitter. Criteria: Invitae Variant Classification Sherloc (09022015). Collection method: clinical testing. Allele origin: germline.

Illumina Laboratory Services, Illumina
Classification: Likely benign for Retinitis pigmentosa. Last evaluated: 2018-01-13. Review status: criteria provided, single submitter. Criteria: ICSL Variant Classification Criteria 13 December 2019. Collection method: clinical testing. Allele origin: germline.
Comment: This variant was observed in the ICSL laboratory as part of a predisposition screen in an ostensibly healthy population. It had not been previously curated by ICSL or reported in the Human Gene Mutation Database (HGMD: prior to June 1st, 2018), and was therefore a candidate for classification through an automated scoring system. Utilizing variant allele frequency, disease prevalence and penetrance estimates, and inheritance mode, an automated score was calculated to assess if this variant is too frequent to cause the disease. Based on the score and internal cut-off values, a variant classified as likely benign is not then subjected to further curation. The score for this variant resulted in a classification of likely benign for this disease.

Illumina Laboratory Services, Illumina
Classification: Benign for Congenital stationary night blindness autosomal dominant 2. Last evaluated: 2018-01-13. Review status: criteria provided, single submitter. Criteria: ICSL Variant Classification Criteria 13 December 2019. Collection method: clinical testing. Allele origin: germline.
Comment: This variant was observed in the ICSL laboratory as part of a predisposition screen in an ostensibly healthy population. It had not been previously curated by ICSL or reported in the Human Gene Mutation Database (HGMD: prior to June 1st, 2018), and was therefore a candidate for classification through an automated scoring system. Utilizing variant allele frequency, disease prevalence and penetrance estimates, and inheritance mode, an automated score was calculated to assess if this variant is too frequent to cause the disease. Based on the score and internal cut-off values, a variant classified as benign is not then subjected to further curation. The score for this variant resulted in a classification of benign for this disease.

Breakthrough Genomics
Classification: Likely benign. Review status: criteria provided, single submitter. Criteria: ACMG Guidelines, 2015. Collection method: not provided. Allele origin: germline. Inheritance: Autosomal recessive inheritance. Affected: yes.

Dr. Peter K. Rogan Lab, Western University
No classification provided (evidence only). Condition: Clear cell carcinoma of kidney. Review status: no classification provided. Collection method: in vitro. Allele origin: not applicable. Functional consequence: retained intron. Not counted in ClinVar's aggregate classification.

Dr. Peter K. Rogan Lab, Western University
No classification provided (evidence only). Condition: Clear cell carcinoma of kidney. Review status: no classification provided. Collection method: in vitro. Allele origin: not applicable. Functional consequence: retained intron. Not counted in ClinVar's aggregate classification.

Dr. Peter K. Rogan Lab, Western University
No classification provided (evidence only). Condition: Thyroid cancer, nonmedullary, 1. Review status: no classification provided. Collection method: in vitro. Allele origin: not applicable. Functional consequence: retained intron. Not counted in ClinVar's aggregate classification.

Dr. Peter K. Rogan Lab, Western University
No classification provided (evidence only). Condition: Thyroid cancer, nonmedullary, 1. Review status: no classification provided. Collection method: in vitro. Allele origin: not applicable. Functional consequence: retained intron. Not counted in ClinVar's aggregate classification.

Dr. Peter K. Rogan Lab, Western University
No classification provided (evidence only). Condition: Uterine corpus endometrial carcinoma. Review status: no classification provided. Collection method: in vitro. Allele origin: not applicable. Functional consequence: retained intron. Not counted in ClinVar's aggregate classification.

Dr. Peter K. Rogan Lab, Western University
No classification provided (evidence only). Condition: Uterine corpus endometrial carcinoma. Review status: no classification provided. Collection method: in vitro. Allele origin: not applicable. Functional consequence: retained intron. Not counted in ClinVar's aggregate classification.

Dr. Peter K. Rogan Lab, Western University
No classification provided (evidence only). Condition: Uterine corpus endometrial carcinoma. Review status: no classification provided. Collection method: in vitro. Allele origin: not applicable. Functional consequence: retained intron. Not counted in ClinVar's aggregate classification.

Dr. Peter K. Rogan Lab, Western University
No classification provided (evidence only). Condition: Uterine corpus endometrial carcinoma. Review status: no classification provided. Collection method: in vitro. Allele origin: not applicable. Functional consequence: retained intron. Not counted in ClinVar's aggregate classification.

Dr. Peter K. Rogan Lab, Western University
No classification provided (evidence only). Condition: Uterine corpus endometrial carcinoma. Review status: no classification provided. Collection method: in vitro. Allele origin: not applicable. Functional consequence: retained intron. Not counted in ClinVar's aggregate classification.

Dr. Peter K. Rogan Lab, Western University
No classification provided (evidence only). Condition: Sarcoma. Review status: no classification provided. Collection method: in vitro. Allele origin: not applicable. Functional consequence: retained intron. Not counted in ClinVar's aggregate classification.

Dr. Peter K. Rogan Lab, Western University
No classification provided (evidence only). Condition: Sarcoma. Review status: no classification provided. Collection method: in vitro. Allele origin: not applicable. Functional consequence: retained intron. Not counted in ClinVar's aggregate classification.

Dr. Peter K. Rogan Lab, Western University
No classification provided (evidence only). Condition: Thymoma. Review status: no classification provided. Collection method: in vitro. Allele origin: not applicable. Functional consequence: retained intron. Not counted in ClinVar's aggregate classification.

Dr. Peter K. Rogan Lab, Western University
No classification provided (evidence only). Condition: Ovarian serous cystadenocarcinoma. Review status: no classification provided. Collection method: in vitro. Allele origin: not applicable. Functional consequence: retained intron. Not counted in ClinVar's aggregate classification.

Dr. Peter K. Rogan Lab, Western University
No classification provided (evidence only). Condition: Ovarian serous cystadenocarcinoma. Review status: no classification provided. Collection method: in vitro. Allele origin: not applicable. Functional consequence: retained intron. Not counted in ClinVar's aggregate classification.

Dr. Peter K. Rogan Lab, Western University
No classification provided (evidence only). Condition: Ovarian serous cystadenocarcinoma. Review status: no classification provided. Collection method: in vitro. Allele origin: not applicable. Functional consequence: retained intron. Not counted in ClinVar's aggregate classification.

Dr. Peter K. Rogan Lab, Western University
No classification provided (evidence only). Condition: Ovarian serous cystadenocarcinoma. Review status: no classification provided. Collection method: in vitro. Allele origin: not applicable. Functional consequence: retained intron. Not counted in ClinVar's aggregate classification.